The following is an entry in ClinVar:

ClinVar aggregate classification (germline): Pathogenic (1 of 4 stars; one submission).

Submission:

Labcorp Genetics (formerly Invitae), Labcorp
Classification: Pathogenic. Last evaluated: 2024-05-05. Review status: criteria provided, single submitter. Criteria: Invitae Variant Classification Sherloc (09022015). Collection method: clinical testing. Allele origin: germline.
Comment: This sequence change results in a frameshift in the FH gene (p.Asp505Glufs*13). While this is not anticipated to result in nonsense mediated decay, it is expected to disrupt the last 6 amino acid(s) of the FH protein and extend the protein by 6 additional amino acid residues. This variant is not present in population databases (gnomAD no frequency). This variant has not been reported in the literature in individuals affected with FH-related conditions. This variant disrupts a region of the FH protein in which other variant(s) ((p.Leu507Pro) have been determined to be pathogenic (PMID: 12761039; Invitae). This suggests that this is a clinically significant region of the protein, and that variants that disrupt it are likely to be disease-causing. For these reasons, this variant has been classified as Pathogenic.

Literature cited by the submitters: PubMed 12761039.

NM_000143.4(FH):c.1514dup (p.Asp505fs)

Gene: FH (fumarate hydratase; minus strand). Cytogenetic location: 1q43.
Variant type: Duplication.
Coding change: c.1514dup on transcript NM_000143.4 (MANE Select); coding-DNA position 1514, one base duplicated (A; older notation c.1514dupA).
Protein change: p.Asp505fs; shifts the reading frame from aspartic acid 505.
Molecular consequence: frameshift variant.
Genome position (GRCh38, 1-based): chr1:241,497,847, T duplicated on the plus strand (A on the coding strand, the reverse complement: FH is on the minus strand). VCF-style (leftmost placement, unchanged base first): chr1-241497846-G-GT. GRCh37 (hg19) VCF-style: chr1-241661146-G-GT.
Other names: short protein forms D505fs.
Identifiers: ClinVar variation 3652241 (VCV003652241.2).